The following is an entry in ClinVar:

NM_199420.4(POLQ):c.6264A>T (p.Glu2088Asp)

Gene: POLQ (DNA polymerase theta; minus strand). Cytogenetic location: 3q13.33.
Variant type: single nucleotide variant.
Coding change: c.6264A>T on transcript NM_199420.4 (MANE Select); coding-DNA position 6264, A replaced by T.
Protein change: p.Glu2088Asp; replaces glutamic acid 2088 with aspartic acid.
Molecular consequence: missense variant.
Genome position (GRCh38, 1-based): chr3:121,476,681, T>A on the plus strand (A>T on the coding strand, the complement: POLQ is on the minus strand). VCF-style: chr3-121476681-T-A. GRCh37 (hg19) VCF-style: chr3-121195528-T-A.
Other names: short protein forms E2088D.
Identifiers: ClinVar variation 2497155 (VCV002497155.2), dbSNP rs2546777235, ClinGen allele CA354087084.

ClinVar aggregate classification (germline): Uncertain significance (1 of 4 stars; one submission).

Submission:

Ambry Genetics
Classification: Uncertain significance. Last evaluated: 2023-01-08. Review status: criteria provided, single submitter. Criteria: Ambry Variant Classification Scheme 2023. Collection method: clinical testing. Allele origin: germline.
Comment: The p.E2088D variant (also known as c.6264A>T), located in coding exon 20 of the POLQ gene, results from an A to T substitution at nucleotide position 6264. The glutamic acid at codon 2088 is replaced by aspartic acid, an amino acid with highly similar properties. This amino acid position is conserved. In addition, the in silico prediction for this alteration is inconclusive. Since supporting evidence is limited at this time, the clinical significance of this alteration remains unclear.